The following is an entry in ClinVar:

NM_004415.4(DSP):c.3799C>A (p.Arg1267=)

Gene: DSP (desmoplakin; plus strand). Cytogenetic location: 6p24.3.
Variant type: single nucleotide variant.
Coding change: c.3799C>A on transcript NM_004415.4 (MANE Select); coding-DNA position 3799, C replaced by A.
Protein change: p.Arg1267=; no amino-acid change (arginine 1267 retained).
Molecular consequence: synonymous variant. On other transcripts: intron variant (1).
Genome position (GRCh38, 1-based): chr6:7,579,989, C>A. VCF-style: chr6-7579989-C-A. GRCh37 (hg19) VCF-style: chr6-7580222-C-A.
Other names: c.3799C>A, p.Arg1267= (NM_001319034.2); c.3582+217C>A (NM_001008844.3).
Identifiers: ClinVar variation 3073389 (VCV003073389.1), dbSNP rs121912997, ClinGen allele CA448715065.

ClinVar aggregate classification (germline): Likely benign (1 of 4 stars; one submission).

Conditions:
Arrhythmogenic cardiomyopathy with wooly hair and keratoderma. Also called: PALMOPLANTAR KERATODERMA WITH LEFT VENTRICULAR CARDIOMYOPATHY AND WOOLLY HAIR; Carvajal syndrome; Dilated cardiomyopathy with woolly hair and keratoderma; Arrhythmogenic cardiomyopathy with woolly hair and keratoderma. Identifiers: Orphanet 65282, MedGen C1854063, MONDO:0011581, OMIM 605676.

Submission:

All of Us Research Program, National Institutes of Health
Classification: Likely benign for Arrhythmogenic cardiomyopathy with wooly hair and keratoderma. Last evaluated: 2023-09-17. Review status: criteria provided, single submitter. Criteria: ACMG Guidelines, 2015. Collection method: clinical testing. Allele origin: germline. Inheritance: Autosomal dominant inheritance. Observed: 1 variant allele, 1 heterozygote.
Comment: This study involves interpretation of variants in research participants for the purpose of population health screening. Participant phenotype was not available at the time of variant classification. Additional details can be found in publication PMID: 35346344, PMCID: PMC8962531